The following is an entry in ClinVar:

ClinVar aggregate classification (germline): Pathogenic/Likely pathogenic. Review status: criteria provided, multiple submitters, no conflicts (2 of 4 stars). 4 submissions from 4 submitters: Pathogenic (1); Likely pathogenic (2). 1 of the submissions does not count toward it. Last evaluated 2025-12-12.

Conditions:
NEUROG3-related disorder. Also called: NEUROG3-related condition.
Congenital malabsorptive diarrhea 4. Also called: ENTERIC ANENDOCRINOSIS; DIARRHEA 4, MALABSORPTIVE, CONGENITAL, WITH DIABETES MELLITUS AND COMBINED PITUITARY HORMONE DEFICIENCY. Identifiers: Orphanet 83620, MedGen C1835888, MONDO:0012479, OMIM 610370, HP:6001346.

Allele frequency attached by ClinVar (database versions not stated): gnomAD 0.00001; gnomAD exomes 0.00001 and 0.00002; ExAC 0.00002; TOPMed 0.00003.

Submissions (4):

Labcorp Genetics (formerly Invitae), Labcorp
Classification: Likely pathogenic. Last evaluated: 2025-12-12. Review status: criteria provided, single submitter. Criteria: Invitae Variant Classification Sherloc (09022015). Collection method: clinical testing. Allele origin: germline.
Comment: This sequence change replaces arginine, which is basic and polar, with serine, which is neutral and polar, at codon 107 of the NEUROG3 protein (p.Arg107Ser). This variant is present in population databases (rs121917837, gnomAD 0.01%). This missense change has been observed in individuals with congenital malabsorptive diarrhea (PMID: 16855267, 27533310, 28724572). ClinVar contains an entry for this variant (Variation ID: 5322). An algorithm developed to predict the effect of missense changes on protein structure and function (PolyPhen-2) suggests that this variant is likely to be disruptive. Experimental studies have shown that this missense change affects NEUROG3 function (PMID: 16855267, 25901096, 31178402, 31805014). In summary, the currently available evidence indicates that the variant is pathogenic, but additional data are needed to prove that conclusively. Therefore, this variant has been classified as Likely Pathogenic.

PreventionGenetics, part of Exact Sciences
Classification: Likely pathogenic for NEUROG3-related condition. Last evaluated: 2022-08-29. Review status: criteria provided, single submitter. Criteria: ACMG Guidelines, 2015. Collection method: clinical testing. Allele origin: germline.
Comment: The NEUROG3 c.319C>A variant is predicted to result in the amino acid substitution p.Arg107Ser. This variant was reported in the homozygous state in multiple individuals with congenital malabsorptive diarrhea (Wang et al. 2006. PubMed ID: 16855267; Rubio-Cabezas et al. 2016. PubMed ID: 27533310; Germán-Díaz et al. 2017. PubMed ID: 28724572). This variant is reported in 0.011% of alleles in individuals of Latino descent in gnomAD. This variant is interpreted as likely pathogenic.

Knight Diagnostic Laboratories, Oregon Health and Sciences University
Classification: Pathogenic for Diarrhea 4, malabsorptive, congenital. Last evaluated: 2018-04-26. Review status: criteria provided, single submitter. Criteria: ACMG Guidelines, 2015. Collection method: clinical testing. Allele origin: germline. Observed: 1 variant allele.

OMIM
Classification: Pathogenic for DIARRHEA 4, MALABSORPTIVE, CONGENITAL, WITH DIABETES MELLITUS AND COMBINED PITUITARY HORMONE DEFICIENCY. Last evaluated: 2006-07-20. Review status: no assertion criteria provided. Collection method: literature only. Allele origin: germline. Not counted in ClinVar's aggregate classification.

Literature cited by the submitters: PubMed 16855267 (cited by Labcorp Genetics (formerly Invitae), Labcorp and OMIM); PubMed 27533310 (cited by Labcorp Genetics (formerly Invitae), Labcorp and OMIM); PubMed 28724572 (cited by Labcorp Genetics (formerly Invitae), Labcorp and OMIM); PubMed 25901096 (cited by Labcorp Genetics (formerly Invitae), Labcorp); PubMed 31178402 (cited by Labcorp Genetics (formerly Invitae), Labcorp); PubMed 31805014 (cited by Labcorp Genetics (formerly Invitae), Labcorp); PubMed 25120094 (cited by OMIM).

NM_020999.4(NEUROG3):c.319C>A (p.Arg107Ser)

Gene: NEUROG3 (neurogenin 3; minus strand). Cytogenetic location: 10q22.1.
Variant type: single nucleotide variant.
Coding change: c.319C>A on transcript NM_020999.4 (MANE Select); coding-DNA position 319, C replaced by A.
Protein change: p.Arg107Ser; replaces arginine 107 with serine.
Molecular consequence: missense variant.
Genome position (GRCh38, 1-based): chr10:69,572,725, G>T on the plus strand (C>A on the coding strand, the complement: NEUROG3 is on the minus strand). VCF-style: chr10-69572725-G-T. GRCh37 (hg19) VCF-style: chr10-71332481-G-T.
Other names: c.319C>A (NM_020999.3); short protein forms R107S.
Identifiers: ClinVar variation 5322 (VCV000005322.6), dbSNP rs121917837, ClinGen allele CA117407.